The following is an entry in ClinVar:

ClinVar aggregate classification (germline): Pathogenic (1 of 4 stars; one submission).

Conditions:
Joubert syndrome. Also called: Familial aplasia of the vermis; CEREBELLOPARENCHYMAL DISORDER IV; JOUBERT-BOLTSHAUSER SYNDROME. Identifiers: Orphanet 475, MedGen C5979921, MONDO:0018772.

Submission:

Labcorp Genetics (formerly Invitae), Labcorp
Classification: Pathogenic for Joubert syndrome. Last evaluated: 2016-03-28. Review status: criteria provided, single submitter. Criteria: Invitae Variant Classification Sherloc (09022015). Collection method: clinical testing. Allele origin: germline.
Comment: This variant is a gross deletion of the genomic region encompassing exons 7-18 of the AHI1 gene. This creates a premature translational stop signal and is expected to result in an absent or disrupted protein product. While this particular variant has not been reported in the literature, truncating variants in AHI1 are known to be pathogenic (PMID: 15322546). For these reasons, this variant has been classified as Pathogenic.

Literature cited by the submitters: PubMed 15322546.

NC_000006.11:g.(?_135749761)_(135784450_?)del

Gene: AHI1 (Abelson helper integration site 1; minus strand). Cytogenetic location: 6q23.3.
Variant type: Deletion.
Identifiers: ClinVar variation 1070615 (VCV001070615.1).